The following is an entry in ClinVar:

ClinVar aggregate classification (germline): Uncertain significance (1 of 4 stars; one submission).

Conditions:
Ataxia-telangiectasia syndrome (AT). Also called: Ataxia-telangiectasia, complementation group D; AT, COMPLEMENTATION GROUP C; Ataxia-telangiectasia; Ataxia telangiectasia (A-T); LOUIS-BAR SYNDROME; Cerebello-oculocutaneous telangiectasia. Identifiers: Orphanet 100, MedGen C0004135, MONDO:0008840, OMIM 208900.

Submission:

Labcorp Genetics (formerly Invitae), Labcorp
Classification: Uncertain significance for Ataxia-telangiectasia syndrome. Last evaluated: 2025-06-27. Review status: criteria provided, single submitter. Criteria: Invitae Variant Classification Sherloc (09022015). Collection method: clinical testing. Allele origin: germline.
Comment: This sequence change replaces aspartic acid, which is acidic and polar, with asparagine, which is neutral and polar, at codon 1305 of the ATM protein (p.Asp1305Asn). This variant is not present in population databases (gnomAD no frequency). This variant has not been reported in the literature in individuals affected with ATM-related conditions. Invitae Evidence Modeling of protein sequence and biophysical properties (such as structural, functional, and spatial information, amino acid conservation, physicochemical variation, residue mobility, and thermodynamic stability) indicates that this missense variant is not expected to disrupt ATM protein function with a negative predictive value of 95%. In summary, the available evidence is currently insufficient to determine the role of this variant in disease. Therefore, it has been classified as a Variant of Uncertain Significance.

NM_000051.4(ATM):c.3913G>A (p.Asp1305Asn)

Gene: ATM (ATM serine/threonine kinase; plus strand). Cytogenetic location: 11q22.3.
Variant type: single nucleotide variant.
Coding change: c.3913G>A on transcript NM_000051.4 (MANE Select); coding-DNA position 3913, G replaced by A.
Protein change: p.Asp1305Asn; replaces aspartic acid 1305 with asparagine.
Molecular consequence: missense variant.
Genome position (GRCh38, 1-based): chr11:108,284,393, G>A. VCF-style: chr11-108284393-G-A. GRCh37 (hg19) VCF-style: chr11-108155120-G-A.
Other names: c.3913G>A, p.Asp1305Asn (NM_001351834.2); short protein forms D1305N.
Identifiers: ClinVar variation 4747207 (VCV004747207.1).